The following is an entry in ClinVar:

ClinVar aggregate classification (germline): Pathogenic (1 of 4 stars; one submission).

Submission:

Quest Diagnostics Nichols Institute San Juan Capistrano
Classification: Pathogenic. Last evaluated: 2022-11-16. Review status: criteria provided, single submitter. Criteria: ACMG/ClinGen CNV Guidelines, 2019. Collection method: clinical testing. Allele origin: unknown.
Comment: This gain involves numerous protein-coding genes. Multiple reports have suggested that duplications overlapping the current interval are associated with neurodevelopmental phenotypes and/or dysmorphic features (Lin 2013, Matoso 2013, Pascolini 2019, Sakamoto 2021). However, findings from a case control study by Sakamoto et al (2021), in which similar duplications were found in 6.5% of controls, could be suggestive of reduced penetrance or mild presentation. Thus, based on current medical literature and gene count, this copy number variant (CNV) is interpreted as pathogenic. References: Lin et al., Clin Chim Acta. 2013 Jun 5;421:34-40. PMID: 23485646 Matoso et al., Am J Med Genet A. 2013 Aug;161A(8):1923-8. PMID: 23824631 Pascolini et al., Psychiatr Genet. 2019 Jun;29(3):86-90. PMID: 30724859 Sakamoto et al., Psychiatr Genet. 2021 Jun 1;31(3):79-87. PMID: 33591083

GRCh37/hg19 4q13.1-13.3(chr4:63684557-71480358)x3

Genes: AMBN (ameloblastin; plus strand), AMTN (amelotin; plus strand), CABS1 (calcium binding protein, spermatid associated 1; plus strand), CENPC (centromere protein C; minus strand), CSN1S1 (casein alpha s1; plus strand) and 35 more. Cytogenetic location: 4q13.1-13.3.
Variant type: copy number gain.
Change: copy number 3 (three copies instead of two) of chr4:63,684,557-71,480,358 (7.80 Mb, GRCh37 coordinates, 1-based), cytogenetic band 4q13.1-13.3.
Identifiers: ClinVar variation 2685970 (VCV002685970.1).